The following is an entry in ClinVar:

NM_006231.4(POLE):c.1872C>T (p.His624=)

Gene: POLE (DNA polymerase epsilon, catalytic subunit; minus strand). Cytogenetic location: 12q24.33.
Variant type: single nucleotide variant.
Coding change: c.1872C>T on transcript NM_006231.4 (MANE Select); coding-DNA position 1872, C replaced by T.
Protein change: p.His624=; no amino-acid change (histidine 624 retained).
Molecular consequence: synonymous variant.
Genome position (GRCh38, 1-based): chr12:132,668,862, G>A on the plus strand (C>T on the coding strand, the complement: POLE is on the minus strand). VCF-style: chr12-132668862-G-A. GRCh37 (hg19) VCF-style: chr12-133245448-G-A.
Identifiers: ClinVar variation 507126 (VCV000507126.12), dbSNP rs368789955, ClinGen allele CA6893792.

ClinVar aggregate classification (germline): Likely benign. Review status: criteria provided, multiple submitters, no conflicts (2 of 4 stars). 3 submissions from 3 submitters: Likely benign (3). Last evaluated 2025-11-03.

Conditions:
Hereditary cancer-predisposing syndrome. Also called: Hereditary neoplastic syndrome; Hereditary Cancer Syndrome; Neoplastic Syndromes, Hereditary; Tumor predisposition. Identifiers: Orphanet 140162, MedGen C0027672, MeSH D009386, MONDO:0015356.

Allele frequency attached by ClinVar (database versions not stated): gnomAD exomes below 0.00001; TOPMed below 0.00001; ExAC 0.00001; gnomAD 0.00001; ESP Exome Variant Server 0.00008.
gnomAD v4.1: 3 of 1,613,992 alleles (0.00019%); highest among the groups gnomAD compares: Non-Finnish European, 0.00025%; no homozygotes.

Submissions (3):

Labcorp Genetics (formerly Invitae), Labcorp
Classification: Likely benign. Last evaluated: 2025-11-03. Review status: criteria provided, single submitter. Criteria: Invitae Variant Classification Sherloc (09022015). Collection method: clinical testing. Allele origin: germline.

Ambry Genetics
Classification: Likely benign for Hereditary cancer-predisposing syndrome. Last evaluated: 2018-03-22. Review status: criteria provided, single submitter. Criteria: Ambry Variant Classification Scheme 2023. Collection method: clinical testing. Allele origin: germline.

GeneDx
Classification: Likely benign. Last evaluated: 2017-01-30. Review status: criteria provided, single submitter. Criteria: GeneDx Variant Classification (06012015). Collection method: clinical testing. Allele origin: germline. Affected: yes.
Comment: This variant is considered likely benign or benign based on one or more of the following criteria: it is a conservative change, it occurs at a poorly conserved position in the protein, it is predicted to be benign by multiple in silico algorithms, and/or has population frequency not consistent with disease.